The following is an entry in ClinVar:

ClinVar aggregate classification (germline): Uncertain significance (1 of 4 stars; one submission).

Allele frequency attached by ClinVar (database versions not stated): gnomAD 0.00001; TOPMed 0.00001.
gnomAD v4.1: 19 of 1,613,814 alleles (0.0012%); highest among the groups gnomAD compares: Non-Finnish European, 0.0014%; no homozygotes.

Submission:

Labcorp Genetics (formerly Invitae), Labcorp
Classification: Uncertain significance. Last evaluated: 2022-11-15. Review status: criteria provided, single submitter. Criteria: Invitae Variant Classification Sherloc (09022015). Collection method: clinical testing. Allele origin: germline.
Comment: This variant has not been reported in the literature in individuals affected with FAT4-related conditions. Advanced modeling of protein sequence and biophysical properties (such as structural, functional, and spatial information, amino acid conservation, physicochemical variation, residue mobility, and thermodynamic stability) performed at Invitae indicates that this missense variant is not expected to disrupt FAT4 protein function. In summary, the available evidence is currently insufficient to determine the role of this variant in disease. Therefore, it has been classified as a Variant of Uncertain Significance. This variant is present in population databases (no rsID available, gnomAD 0.002%). This sequence change replaces valine, which is neutral and non-polar, with methionine, which is neutral and non-polar, at codon 2559 of the FAT4 protein (p.Val2559Met).

NM_001291303.3(FAT4):c.7681G>A (p.Val2561Met)

Gene: FAT4 (FAT atypical cadherin 4; plus strand). Cytogenetic location: 4q28.1.
Variant type: single nucleotide variant.
Coding change: c.7681G>A on transcript NM_001291303.3 (MANE Select); coding-DNA position 7681, G replaced by A.
Protein change: p.Val2561Met; replaces valine 2561 with methionine.
Molecular consequence: missense variant.
Genome position (GRCh38, 1-based): chr4:125,448,691, G>A. VCF-style: chr4-125448691-G-A. GRCh37 (hg19) VCF-style: chr4-126369846-G-A.
Other names: c.7681G>A, p.Val2561Met (NM_001291285.3); c.7675G>A, p.Val2559Met (NM_024582.6); short protein forms V2561M, V2559M.
Identifiers: ClinVar variation 1947738 (VCV001947738.4), dbSNP rs1265915365, ClinGen allele CA358141118.